The following is an entry in ClinVar:

ClinVar aggregate classification (germline): Uncertain significance (1 of 4 stars; one submission).

Conditions:
Neonatal encephalomyopathy-cardiomyopathy-respiratory distress syndrome. Also called: Coenzyme Q10 deficiency, primary, 7. Identifiers: Orphanet 457185, MedGen C5568562, MONDO:0014562, OMIM 616276.

Submission:

Labcorp Genetics (formerly Invitae), Labcorp
Classification: Uncertain significance for Neonatal encephalomyopathy-cardiomyopathy-respiratory distress syndrome. Last evaluated: 2023-08-04. Review status: criteria provided, single submitter. Criteria: Invitae Variant Classification Sherloc (09022015). Collection method: clinical testing. Allele origin: germline.
Comment: This sequence change replaces glutamic acid, which is acidic and polar, with lysine, which is basic and polar, at codon 217 of the COQ4 protein (p.Glu217Lys). This variant is present in population databases (rs762877436, gnomAD 0.003%). This variant has not been reported in the literature in individuals affected with COQ4-related conditions. In summary, the available evidence is currently insufficient to determine the role of this variant in disease. Therefore, it has been classified as a Variant of Uncertain Significance. Algorithms developed to predict the effect of missense changes on protein structure and function output the following: SIFT: "Not Available"; PolyPhen-2: "Benign"; Align-GVGD: "Not Available". The lysine amino acid residue is found in multiple mammalian species, which suggests that this missense change does not adversely affect protein function. ClinVar contains an entry for this variant (Variation ID: 1419589).

NM_016035.5(COQ4):c.649G>A (p.Glu217Lys)

Gene: COQ4 (coenzyme Q4; plus strand). Cytogenetic location: 9q34.11.
Variant type: single nucleotide variant.
Coding change: c.649G>A on transcript NM_016035.5 (MANE Select); coding-DNA position 649, G replaced by A.
Protein change: p.Glu217Lys; replaces glutamic acid 217 with lysine.
Molecular consequence: missense variant. On other transcripts: 3 prime UTR variant (1).
Genome position (GRCh38, 1-based): chr9:128,333,496, G>A. VCF-style: chr9-128333496-G-A. GRCh37 (hg19) VCF-style: chr9-131095775-G-A.
Other names: c.*25G>A (NM_001305942.2); short protein forms E217K.
Identifiers: ClinVar variation 1419589 (VCV001419589.6), dbSNP rs762877436, ClinGen allele CA5260665.